The following is an entry in ClinVar:

ClinVar aggregate classification (germline): Conflicting classifications of pathogenicity. Review status: criteria provided, conflicting classifications (1 of 4 stars). 7 submissions from 7 submitters: Uncertain significance (2); Likely benign (4). 1 of the submissions does not count toward it. Last evaluated 2026-03-24.

Conditions:
LAMA2-related disorder. Also called: LAMA2-related disorders; LAMA2-related condition.
LAMA2-related muscular dystrophy (LAMA2-RD). Also called: Laminin alpha 2-related dystrophy. Identifiers: MedGen C5679788, MONDO:0100228.

Allele frequency attached by ClinVar (database versions not stated): gnomAD exomes 0.00012 and 0.00023; ExAC 0.00031; 1000 Genomes Project 30x 0.00078; 1000 Genomes Project 0.00080; gnomAD 0.00083 and 0.00086; ESP Exome Variant Server 0.00085; TOPMed 0.00088.
gnomAD v4.1: 308 of 1,611,000 alleles (0.019%); highest among the groups gnomAD compares: African/African-American, 0.3%; 1 homozygote.

Submissions (7):

Women's Health and Genetics/Laboratory Corporation of America, LabCorp
Classification: Likely benign. Last evaluated: 2026-03-24. Review status: criteria provided, single submitter. Criteria: LabCorp Variant Classification Summary - May 2015. Collection method: clinical testing. Allele origin: germline.
Comment: Variant summary: LAMA2 c.6697G>A (p.Val2233Ile) results in a conservative amino acid change in the encoded protein sequence. Algorithms developed to predict the effect of missense changes on protein structure and function all suggest that this variant is likely to be tolerated. The variant allele was found at a frequency of 0.00023 in 250550 control chromosomes, predominantly at a frequency of 0.0028 within the African or African-American subpopulation in the gnomAD database v2. A total of 1 homozygote of this variant was observed in the gnomAD v4 database. To our knowledge, no occurrence of c.6697G>A in individuals affected with LAMA2-related conditions and no experimental evidence demonstrating its impact on protein function have been reported. ClinVar contains an entry for this variant (Variation ID: 167246). Based on the evidence outlined above, the variant was classified as likely benign.

Labcorp Genetics (formerly Invitae), Labcorp
Classification: Likely benign for LAMA2-related muscular dystrophy. Last evaluated: 2026-01-28. Review status: criteria provided, single submitter. Criteria: Invitae Variant Classification Sherloc (09022015). Collection method: clinical testing. Allele origin: germline.

CeGaT Center for Human Genetics Tuebingen
Classification: Likely benign. Last evaluated: 2025-02-01. Review status: criteria provided, single submitter. Criteria: CeGaT Center For Human Genetics Tuebingen Variant Classification Criteria Version 2. Collection method: clinical testing. Allele origin: germline. Affected: yes. Observed: 1 variant allele.
Comment: LAMA2: BP4

GeneDx
Classification: Likely benign. Last evaluated: 2021-03-17. Review status: criteria provided, single submitter. Criteria: GeneDx Variant Classification Process June 2021. Collection method: clinical testing. Allele origin: germline. Affected: yes.
Comment: This variant is associated with the following publications: (PMID: 25214167)

Mayo Clinic Laboratories, Mayo Clinic
Classification: Uncertain significance. Last evaluated: 2019-09-02. Review status: criteria provided, single submitter. Criteria: ACMG Guidelines, 2015. Collection method: clinical testing. Allele origin: germline. Observed: 1 variant allele.

Eurofins Ntd Llc (ga)
Classification: Uncertain significance. Last evaluated: 2014-01-27. Review status: criteria provided, single submitter. Criteria: EGL Classification Definitions 2015. Collection method: clinical testing. Allele origin: germline. Observed: 1 variant allele, 1 heterozygote.

PreventionGenetics, part of Exact Sciences
Classification: Likely benign for LAMA2-related condition. Last evaluated: 2024-06-26. Review status: no assertion criteria provided. Collection method: clinical testing. Allele origin: germline. Not counted in ClinVar's aggregate classification.
Comment: This variant is classified as likely benign based on ACMG/AMP sequence variant interpretation guidelines (Richards et al. 2015 PMID: 25741868, with internal and published modifications).

NM_000426.4(LAMA2):c.6697G>A (p.Val2233Ile)

Gene: LAMA2 (laminin subunit alpha 2; plus strand). Cytogenetic location: 6q22.33.
Variant type: single nucleotide variant.
Coding change: c.6697G>A on transcript NM_000426.4 (MANE Select); coding-DNA position 6697, G replaced by A.
Protein change: p.Val2233Ile; replaces valine 2233 with isoleucine.
Molecular consequence: missense variant.
Genome position (GRCh38, 1-based): chr6:129,454,278, G>A. VCF-style: chr6-129454278-G-A. GRCh37 (hg19) VCF-style: chr6-129775423-G-A.
Other names: c.6697G>A, p.Val2233Ile (NM_001079823.2); short protein forms V2233I.
Identifiers: ClinVar variation 167246 (VCV000167246.39), dbSNP rs150945378, ClinGen allele CA234205.